The following is an entry in ClinVar:

ClinVar aggregate classification (germline): Uncertain significance. Review status: criteria provided, single submitter (1 of 4 stars). 2 submissions from 2 submitters: Uncertain significance (1). 1 of the submissions does not count toward it. Last evaluated 2022-02-24.

Conditions:
Hyperornithinemia-hyperammonemia-homocitrullinuria syndrome (HHHS). Also called: HHH SYNDROME; Ornithine translocase deficiency. Identifiers: Orphanet 415, MedGen C0268540, MONDO:0009393, OMIM 238970.

Allele frequency attached by ClinVar (database versions not stated): ExAC 0.00004; gnomAD exomes 0.00004 and 0.00003.
gnomAD v4.1: 35 of 1,608,528 alleles (0.0022%); highest among the groups gnomAD compares: South Asian, 0.038%; no homozygotes.

Submissions (2):

Labcorp Genetics (formerly Invitae), Labcorp
Classification: Uncertain significance for Hyperornithinemia-hyperammonemia-homocitrullinuria syndrome. Last evaluated: 2022-02-24. Review status: criteria provided, single submitter. Criteria: Invitae Variant Classification Sherloc (09022015). Collection method: clinical testing. Allele origin: germline.
Comment: This sequence change replaces arginine, which is basic and polar, with glycine, which is neutral and non-polar, at codon 251 of the SLC25A15 protein (p.Arg251Gly). This variant is present in population databases (rs746683247, gnomAD 0.03%). This variant has not been reported in the literature in individuals affected with SLC25A15-related conditions. ClinVar contains an entry for this variant (Variation ID: 967320). Algorithms developed to predict the effect of missense changes on protein structure and function output the following: SIFT: "Tolerated"; PolyPhen-2: "Benign"; Align-GVGD: "Class C0". The glycine amino acid residue is found in multiple mammalian species, which suggests that this missense change does not adversely affect protein function. In summary, the available evidence is currently insufficient to determine the role of this variant in disease. Therefore, it has been classified as a Variant of Uncertain Significance.

Natera, Inc.
Classification: Uncertain significance for Hyperornithinemia-hyperammonemia-homocitrullinuria syndrome. Last evaluated: 2020-08-18. Review status: no assertion criteria provided. Collection method: clinical testing. Allele origin: germline. Not counted in ClinVar's aggregate classification.

NM_014252.4(SLC25A15):c.751A>G (p.Arg251Gly)

Gene: SLC25A15 (solute carrier family 25 member 15; plus strand). Cytogenetic location: 13q14.11.
Variant type: single nucleotide variant.
Coding change: c.751A>G on transcript NM_014252.4 (MANE Select); coding-DNA position 751, A replaced by G.
Protein change: p.Arg251Gly; replaces arginine 251 with glycine.
Molecular consequence: missense variant.
Genome position (GRCh38, 1-based): chr13:40,808,566, A>G. VCF-style: chr13-40808566-A-G. GRCh37 (hg19) VCF-style: chr13-41382702-A-G.
Other names: short protein forms R251G.
Identifiers: ClinVar variation 967320 (VCV000967320.6), dbSNP rs746683247, ClinGen allele CA6959813.